The following is an entry in ClinVar:

NM_002206.3(ITGA7):c.2556G>A (p.Ser852=)

Gene: ITGA7 (integrin subunit alpha 7; minus strand). Cytogenetic location: 12q13.2.
Variant type: single nucleotide variant.
Coding change: c.2556G>A on transcript NM_002206.3 (MANE Select); coding-DNA position 2556, G replaced by A.
Protein change: p.Ser852=; no amino-acid change (serine 852 retained).
Molecular consequence: synonymous variant.
Genome position (GRCh38, 1-based): chr12:55,693,297, C>T on the plus strand (G>A on the coding strand, the complement: ITGA7 is on the minus strand). VCF-style: chr12-55693297-C-T. GRCh37 (hg19) VCF-style: chr12-56087081-C-T.
Other names: c.2568G>A, p.Ser856= (NM_001144996.2); c.2277G>A, p.Ser759= (NM_001144997.2); c.2229G>A, p.Ser743= (NM_001367993.1); c.1212G>A, p.Ser404= (NM_001367994.1); c.2538G>A, p.Ser846= (NM_001374465.1); c.2688G>A, p.Ser896= (NM_001410977.1); c.2550G>A, p.Ser850= (NM_001414029.1); c.2481G>A, p.Ser827= (NM_001414030.1); and 5 more.
Identifiers: ClinVar variation 258585 (VCV000258585.13), dbSNP rs138301131, ClinGen allele CA6615531.
Genomic context (GRCh38, chr12:55,693,297, plus strand): 5'-CCCATTGGCAATCTCATGAGGCCACATGATGTTGAGGAAGGCAGAGCCCAGGGTTCTGAG[C>T]GACTGGCCTTGGTTGGAAACCTGTGGGAAAAAGAGAGTATGAGGGGAGAGACCTCAGTTT-3'
Protein context (NP_002197.2, residues 842-862): YEVTVSNQGQ[Ser852=]LRTLGSAFLN

ClinVar aggregate classification (germline): Likely benign. Review status: criteria provided, multiple submitters, no conflicts (2 of 4 stars). 5 submissions from 5 submitters: Likely benign (5). Last evaluated 2026-08-01.

Conditions:
Congenital muscular dystrophy due to integrin alpha-7 deficiency. Also called: Congenital muscular dystrophy with integrin alpha-7 deficiency; Muscular dystrophy, congenital, due to ITGA7 deficiency; MYOPATHY, CONGENITAL, DUE TO INTEGRIN ALPHA-7 DEFICIENCY. Identifiers: Orphanet 34520, MedGen C2750786, MONDO:0013177, OMIM 613204.

Allele frequency attached by ClinVar (database versions not stated): gnomAD 0.00003; gnomAD exomes 0.00005 and 0.00007; TOPMed 0.00006; ExAC 0.00008; ESP Exome Variant Server 0.00008; 1000 Genomes Project 30x 0.00016; 1000 Genomes Project 0.00020.
gnomAD v4.1: 91 of 1,613,458 alleles (0.0056%); highest among the groups gnomAD compares: Middle Eastern, 0.13%; 1 homozygote.

Submissions (5):

CeGaT Center for Human Genetics Tuebingen
Classification: Likely benign. Last evaluated: 2026-08-01. Review status: criteria provided, single submitter. Criteria: CeGaT Center For Human Genetics Tuebingen Variant Classification Criteria Version 2. Collection method: clinical testing. Allele origin: germline. Affected: yes. Observed: 1 variant allele.
Comment: ITGA7: BP4, BP7

Labcorp Genetics (formerly Invitae), Labcorp
Classification: Likely benign for Congenital muscular dystrophy due to integrin alpha-7 deficiency. Last evaluated: 2025-10-09. Review status: criteria provided, single submitter. Criteria: Invitae Variant Classification Sherloc (09022015). Collection method: clinical testing. Allele origin: germline.

Blueprint Genetics
Classification: Likely benign. Last evaluated: 2023-09-14. Review status: criteria provided, single submitter. Criteria: ACMG Guidelines, 2015. Collection method: clinical testing. Allele origin: germline.

GeneDx
Classification: Likely benign. Last evaluated: 2016-03-15. Review status: criteria provided, single submitter. Criteria: GeneDx Variant Classification (06012015). Collection method: clinical testing. Allele origin: germline. Affected: yes.
Comment: This variant is considered likely benign or benign based on one or more of the following criteria: it is a conservative change, it occurs at a poorly conserved position in the protein, it is predicted to be benign by multiple in silico algorithms, and/or has population frequency not consistent with disease.

PreventionGenetics, part of Exact Sciences
Classification: Likely benign. Review status: criteria provided, single submitter. Criteria: ACMG Guidelines, 2015. Collection method: clinical testing. Allele origin: germline.